The following is an entry in ClinVar:

ClinVar aggregate classification (germline): Uncertain significance (1 of 4 stars; one submission).

Allele frequency attached by ClinVar (database versions not stated): ExAC 0.00008; gnomAD exomes 0.00011; ESP Exome Variant Server 0.00015; gnomAD 0.00003; TOPMed 0.00004.
gnomAD v4.1: 156 of 1,614,072 alleles (0.0097%); highest among the groups gnomAD compares: Middle Eastern, 0.016%; no homozygotes.

Submission:

CeGaT Center for Human Genetics Tuebingen
Classification: Uncertain significance. Last evaluated: 2023-08-01. Review status: criteria provided, single submitter. Criteria: CeGaT Center For Human Genetics Tuebingen Variant Classification Criteria Version 2. Collection method: clinical testing. Allele origin: germline. Affected: yes. Observed: 1 variant allele.
Comment: TDRD6: PM2

NM_001010870.3(TDRD6):c.1136A>G (p.Tyr379Cys)

Gene: TDRD6 (tudor domain containing 6; plus strand). Cytogenetic location: 6p12.3.
Variant type: single nucleotide variant.
Coding change: c.1136A>G on transcript NM_001010870.3 (MANE Select); coding-DNA position 1136, A replaced by G.
Protein change: p.Tyr379Cys; replaces tyrosine 379 with cysteine.
Molecular consequence: missense variant.
Genome position (GRCh38, 1-based): chr6:46,689,264, A>G. VCF-style: chr6-46689264-A-G. GRCh37 (hg19) VCF-style: chr6-46657001-A-G.
Other names: c.1136A>G, p.Tyr379Cys (NM_001168359.2); short protein forms Y379C.
Identifiers: ClinVar variation 2656624 (VCV002656624.24), dbSNP rs143137095, ClinGen allele CA3838866.
Genomic context (GRCh38, chr6:46,689,264, plus strand): 5'-TTCGGTACTTGCTGCCTGAATATTTTCGAATGCCGGTGGTGACCTACCCTTGTGCTTTGT[A>G]TGGACTCTGGGACGGTGGGAGAGGCTGGTCTCGGTCACAGGTCGGTGACCTGAAGACACT-3'
Protein context (NP_001010870.1, residues 369-389): MPVVTYPCAL[Tyr379Cys]GLWDGGRGWS